The following is an entry in ClinVar:

NM_001258392.3(CLPB):c.1469G>A (p.Arg490His)

Gene: CLPB (ClpB family mitochondrial disaggregase; minus strand). Cytogenetic location: 11q13.4.
Variant type: single nucleotide variant.
Coding change: c.1469G>A on transcript NM_001258392.3 (MANE Select); coding-DNA position 1469, G replaced by A.
Protein change: p.Arg490His; replaces arginine 490 with histidine.
Molecular consequence: missense variant.
Genome position (GRCh38, 1-based): chr11:72,295,509, C>T on the plus strand (G>A on the coding strand, the complement: CLPB is on the minus strand). VCF-style: chr11-72295509-C-T. GRCh37 (hg19) VCF-style: chr11-72006553-C-T.
Other names: c.1382G>A, p.Arg461His (NM_001258393.3); c.1424G>A, p.Arg475His (NM_001258394.3); c.1559G>A, p.Arg520His (NM_030813.6); short protein forms R520H, R461H, R490H, R475H.
Identifiers: ClinVar variation 1467130 (VCV001467130.11), dbSNP rs568455218, ClinGen allele CA6171163.

ClinVar aggregate classification (germline): Uncertain significance. Review status: criteria provided, multiple submitters, no conflicts (2 of 4 stars). 2 submissions from 2 submitters: Uncertain significance (2). Last evaluated 2024-10-30.

Conditions:
3-methylglutaconic aciduria, type VIIB (MGCA7B). Also called: CLPB Deficiency; 3-methylglutaconic aciduria with cataracts, neurologic involvement and neutropenia; 3-methylglutaconic aciduria, type VII, with cataracts, neurologic involvement and neutropenia. Identifiers: Orphanet 445038, MedGen C5676893, MONDO:0014561, OMIM 616271.

Allele frequency attached by ClinVar (database versions not stated): TOPMed 0.00002; gnomAD exomes 0.00005 and 0.00002; 1000 Genomes Project 30x 0.00016; 1000 Genomes Project 0.00020; gnomAD 0.00001; ExAC 0.00002.
gnomAD v4.1: 34 of 1,614,070 alleles (0.0021%); highest among the groups gnomAD compares: South Asian, 0.012%; no homozygotes.

Submissions (2):

Labcorp Genetics (formerly Invitae), Labcorp
Classification: Uncertain significance for 3-methylglutaconic aciduria, type VIIB. Last evaluated: 2024-10-30. Review status: criteria provided, single submitter. Criteria: Invitae Variant Classification Sherloc (09022015). Collection method: clinical testing. Allele origin: germline.
Comment: This sequence change replaces arginine, which is basic and polar, with histidine, which is basic and polar, at codon 520 of the CLPB protein (p.Arg520His). This variant is present in population databases (rs568455218, gnomAD 0.02%). This variant has not been reported in the literature in individuals affected with CLPB-related conditions. ClinVar contains an entry for this variant (Variation ID: 1467130). An algorithm developed to predict the effect of missense changes on protein structure and function (PolyPhen-2) suggests that this variant is likely to be disruptive. In summary, the available evidence is currently insufficient to determine the role of this variant in disease. Therefore, it has been classified as a Variant of Uncertain Significance.

Revvity Omics, Revvity
Classification: Uncertain significance. Last evaluated: 2019-02-19. Review status: criteria provided, single submitter. Criteria: ACMG Guidelines, 2015. Collection method: clinical testing. Allele origin: germline.